The following is an entry in ClinVar:

ClinVar aggregate classification (germline): Benign. Review status: criteria provided, multiple submitters, no conflicts (2 of 4 stars). 2 submissions from 2 submitters: Benign (2). Last evaluated 2018-06-18.

Allele frequency attached by ClinVar (database versions not stated): gnomAD exomes 0.16613; gnomAD 0.18177 and 0.18302; TOPMed 0.18975; 1000 Genomes Project 0.21605; 1000 Genomes Project 30x 0.21627.
gnomAD v4.1: 125,482 of 742,592 alleles (17%); highest among the groups gnomAD compares: East Asian, 34%; 12,282 homozygotes.

Submissions (2):

GeneDx
Classification: Benign. Last evaluated: 2018-06-18. Review status: criteria provided, single submitter. Criteria: GeneDx Variant Classification (06012015). Collection method: clinical testing. Allele origin: germline. Affected: yes.
Comment: This variant is considered likely benign or benign based on one or more of the following criteria: it is a conservative change, it occurs at a poorly conserved position in the protein, it is predicted to be benign by multiple in silico algorithms, and/or has population frequency not consistent with disease.

Breakthrough Genomics
Classification: Benign. Review status: criteria provided, single submitter. Criteria: ACMG Guidelines, 2015. Collection method: not provided. Allele origin: germline. Inheritance: Autosomal dominant inheritance. Affected: yes.

NM_001165963.4(SCN1A):c.964+116A>T

Gene: SCN1A (sodium voltage-gated channel alpha subunit 1; minus strand). Cytogenetic location: 2q24.3.
Variant type: single nucleotide variant.
Coding change: c.964+116A>T on transcript NM_001165963.4 (MANE Select); 116 bases into the intron after coding-DNA position 964, A replaced by T.
Molecular consequence: intron variant.
Genome position (GRCh38, 1-based): chr2:166,051,603, T>A on the plus strand (A>T on the coding strand, the complement: SCN1A is on the minus strand). VCF-style: chr2-166051603-T-A. GRCh37 (hg19) VCF-style: chr2-166908113-T-A.
Other names: c.964+116A>T (NM_001353949.2, NM_001353958.2, NM_001353950.2 and 10 more transcripts); c.-1462+116A>T (NM_001353961.2).
Identifiers: ClinVar variation 675002 (VCV000675002.2), dbSNP rs6750294, ClinGen allele CA59801150.